The following is an entry in ClinVar:

ClinVar aggregate classification (germline): Uncertain significance. Review status: criteria provided, multiple submitters, no conflicts (2 of 4 stars). 2 submissions from 2 submitters: Uncertain significance (2). Last evaluated 2025-12-11.

Allele frequency attached by ClinVar (database versions not stated): gnomAD 0.00001; gnomAD exomes 0.00001; TOPMed 0.00001; ExAC 0.00002.
gnomAD v4.1: 20 of 1,613,662 alleles (0.0012%); highest among the groups gnomAD compares: Non-Finnish European, 0.0017%; no homozygotes.

Submissions (2):

Labcorp Genetics (formerly Invitae), Labcorp
Classification: Uncertain significance. Last evaluated: 2025-12-11. Review status: criteria provided, single submitter. Criteria: Invitae Variant Classification Sherloc (09022015). Collection method: clinical testing. Allele origin: germline.
Comment: This sequence change replaces proline, which is neutral and non-polar, with leucine, which is neutral and non-polar, at codon 633 of the TCF3 protein (p.Pro633Leu). This variant is present in population databases (rs752272375, gnomAD 0.002%). This variant has not been reported in the literature in individuals affected with TCF3-related conditions. ClinVar contains an entry for this variant (Variation ID: 2174462). Invitae Evidence Modeling of protein sequence and biophysical properties (such as structural, functional, and spatial information, amino acid conservation, physicochemical variation, residue mobility, and thermodynamic stability) indicates that this missense variant is not expected to disrupt TCF3 protein function with a negative predictive value of 80%. In summary, the available evidence is currently insufficient to determine the role of this variant in disease. Therefore, it has been classified as a Variant of Uncertain Significance.

Blueprint Genetics
Classification: Uncertain significance. Last evaluated: 2023-11-29. Review status: criteria provided, single submitter. Criteria: ACMG Guidelines, 2015. Collection method: clinical testing. Allele origin: germline.

NM_003200.5(TCF3):c.1898C>T (p.Pro633Leu)

Gene: TCF3 (transcription factor 3; minus strand). Cytogenetic location: 19p13.3.
Variant type: single nucleotide variant.
Coding change: c.1898C>T on transcript NM_003200.5 (MANE Select); coding-DNA position 1898, C replaced by T.
Protein change: p.Pro633Leu; replaces proline 633 with leucine.
Molecular consequence: missense variant.
Genome position (GRCh38, 1-based): chr19:1,611,774, G>A on the plus strand (C>T on the coding strand, the complement: TCF3 is on the minus strand). VCF-style: chr19-1611774-G-A. GRCh37 (hg19) VCF-style: chr19-1611773-G-A.
Other names: c.1889C>T, p.Pro630Leu (NM_001136139.4, NM_001351779.2); c.1895C>T, p.Pro632Leu (NM_001351778.2); short protein forms P633L, P630L, P632L.
Identifiers: ClinVar variation 2174462 (VCV002174462.5), dbSNP rs752272375, ClinGen allele CA9049510.